The following is an entry in ClinVar:

NM_000078.3(CETP):c.1161C>G (p.Thr387=)

Gene: CETP (cholesteryl ester transfer protein; plus strand). Cytogenetic location: 16q13.
Variant type: single nucleotide variant.
Coding change: c.1161C>G on transcript NM_000078.3 (MANE Select); coding-DNA position 1161, C replaced by G.
Protein change: p.Thr387=; no amino-acid change (threonine 387 retained).
Molecular consequence: synonymous variant.
Genome position (GRCh38, 1-based): chr16:56,981,172, C>G. VCF-style: chr16-56981172-C-G. GRCh37 (hg19) VCF-style: chr16-57015084-C-G.
Other names: p.Thr387=; c.981C>G, p.Thr327= (NM_001286085.2).
Identifiers: ClinVar variation 319991 (VCV000319991.21), dbSNP rs7192120, ClinGen allele CA8071255.
Genomic context (GRCh38, chr16:56,981,172, plus strand): 5'-TTCGGGAAGAGCCCTGGCTCACAGCAAATTTGGTTTCTCTCCCCAGGATATCGTGACTAC[C>G]GTCCAGGCCTCCTATTCTAAGAAAAAGCTCTTCTTAAGCCTCTTGGATTTCCAGTATGTG-3'
Protein context (NP_000069.2, residues 377-397): AYTFEEDIVT[Thr387=]VQASYSKKKL

ClinVar aggregate classification (germline): Benign. Review status: criteria provided, multiple submitters, no conflicts (2 of 4 stars). 6 submissions from 6 submitters: Benign (5). 1 of the submissions does not count toward it. Last evaluated 2026-02-02.

Conditions:
CETP-related disorder. Also called: CETP-related condition.
Hyperalphalipoproteinemia 1 (HALP1). Also called: CETP-Related Hyperalphalipoproteinemia; CETP DEFICIENCY. Identifiers: MedGen C3149462, OMIM 143470.

Allele frequency attached by ClinVar (database versions not stated): TOPMed 0.02000; 1000 Genomes Project 0.02396; 1000 Genomes Project 30x 0.02405; ESP Exome Variant Server 0.02024.
gnomAD v4.1: 5,478 of 1,613,314 alleles (0.34%); highest among the groups gnomAD compares: African/African-American, 6.3%; 174 homozygotes.

Submissions (6):

Labcorp Genetics (formerly Invitae), Labcorp
Classification: Benign. Last evaluated: 2026-02-02. Review status: criteria provided, single submitter. Criteria: Invitae Variant Classification Sherloc (09022015). Collection method: clinical testing. Allele origin: germline.

Mayo Clinic Laboratories, Mayo Clinic
Classification: Benign. Last evaluated: 2023-04-16. Review status: criteria provided, single submitter. Criteria: ACMG Guidelines, 2015. Collection method: clinical testing. Allele origin: germline. Observed: 3 variant alleles.

GeneDx
Classification: Benign. Last evaluated: 2019-05-14. Review status: criteria provided, single submitter. Criteria: GeneDx Variant Classification Process June 2021. Collection method: clinical testing. Allele origin: germline. Affected: yes.

Illumina Laboratory Services, Illumina
Classification: Benign for Hyperalphalipoproteinemia 1. Last evaluated: 2018-01-13. Review status: criteria provided, single submitter. Criteria: ICSL Variant Classification Criteria 13 December 2019. Collection method: clinical testing. Allele origin: germline.
Comment: This variant was observed in the ICSL laboratory as part of a predisposition screen in an ostensibly healthy population. It had not been previously curated by ICSL or reported in the Human Gene Mutation Database (HGMD: prior to June 1st, 2018), and was therefore a candidate for classification through an automated scoring system. Utilizing variant allele frequency, disease prevalence and penetrance estimates, and inheritance mode, an automated score was calculated to assess if this variant is too frequent to cause the disease. Based on the score and internal cut-off values, a variant classified as benign is not then subjected to further curation. The score for this variant resulted in a classification of benign for this disease.

Breakthrough Genomics
Classification: Benign. Review status: criteria provided, single submitter. Criteria: ACMG Guidelines, 2015. Collection method: not provided. Allele origin: germline. Inheritance: Autosomal dominant inheritance. Affected: yes.

PreventionGenetics, part of Exact Sciences
Classification: Benign for CETP-related condition. Last evaluated: 2019-11-11. Review status: no assertion criteria provided. Collection method: clinical testing. Allele origin: germline. Not counted in ClinVar's aggregate classification.
Comment: This variant is classified as benign based on ACMG/AMP sequence variant interpretation guidelines (Richards et al. 2015 PMID: 25741868, with internal and published modifications).